The following is an entry in ClinVar:

ClinVar aggregate classification (germline): Uncertain significance (1 of 4 stars; one submission).

Allele frequency attached by ClinVar (database versions not stated): gnomAD 0.00001; TOPMed 0.00002.

Submission:

GeneDx
Classification: Uncertain significance. Last evaluated: 2017-01-20. Review status: criteria provided, single submitter. Criteria: GeneDx Variant Classification (06012015). Collection method: clinical testing. Allele origin: germline. Affected: yes.
Comment: The c.1571delT variant in the SYN2 gene has not been reported previously as a pathogenic variant, nor as a benign variant, to our knowledge. The c.1571delT variant causes a frameshift starting with codon Leucine 524, changes this amino acid to a Arginine residue, and creates a premature Stop codon at position 20 of the new reading frame, denoted p.Leu524ArgfsX20. This variant is predicted to cause loss of normal protein function through protein truncation. The c.1571delT variant was not observed in approximately 6,000 individuals of European and African American ancestry in the NHLBI Exome Sequencing Project, indicating it is not a common benign variant in these populations. We interpret c.1571delT as a variant of uncertain significance.

NM_133625.6(SYN2):c.1571del (p.Leu524fs)

Gene: SYN2 (synapsin II; plus strand). Cytogenetic location: 3p25.2.
Variant type: Deletion.
Coding change: c.1571del on transcript NM_133625.6 (MANE Select); coding-DNA position 1571, one base deleted (T; older notation c.1571delT).
Protein change: p.Leu524fs; shifts the reading frame from leucine 524.
Molecular consequence: frameshift variant.
Genome position (GRCh38, 1-based): chr3:12,187,570, T deleted. VCF-style (leftmost placement, unchanged base first): chr3-12187569-CT-C. GRCh37 (hg19) VCF-style: chr3-12229069-CT-C.
Other names: short protein forms L524fs.
Identifiers: ClinVar variation 423020 (VCV000423020.2), dbSNP rs1064796171, ClinGen allele CA16617809.